The following is an entry in ClinVar:

NM_001080476.3(GRXCR1):c.25G>A (p.Glu9Lys)

Gene: GRXCR1 (glutaredoxin and cysteine rich domain containing 1; plus strand). Cytogenetic location: 4p13.
Variant type: single nucleotide variant.
Coding change: c.25G>A on transcript NM_001080476.3 (MANE Select); coding-DNA position 25, G replaced by A.
Protein change: p.Glu9Lys; replaces glutamic acid 9 with lysine.
Molecular consequence: missense variant.
Genome position (GRCh38, 1-based): chr4:42,893,291, G>A. VCF-style: chr4-42893291-G-A. GRCh37 (hg19) VCF-style: chr4-42895308-G-A.
Other names: short protein forms E9K.
Identifiers: ClinVar variation 43887 (VCV000043887.18), dbSNP rs78136490, ClinGen allele CA133095.
Genomic context (GRCh38, chr4:42,893,291, plus strand): 5'-GAATGCTGTAAACTGTTCATATGGGTGGAGGTGACCATGCTTAAAAGGGAGATGAAGCCA[G>A]AAAGTGACAGGCCACGGAAAGTCCGGTTTCGGATCGCGTCCTCTCACAGTGGGCGAGTTC-3'
Protein context (NP_001073945.1, residues 1-19): MLKREMKP[Glu9Lys]SDRPRKVRFR

ClinVar aggregate classification (germline): Benign. Review status: criteria provided, multiple submitters, no conflicts (2 of 4 stars). 7 submissions from 7 submitters: Benign (7). Last evaluated 2026-02-01.

Conditions:
Autosomal recessive nonsyndromic hearing loss 25. Identifiers: Orphanet 90636, MedGen C1414017, MONDO:0013210, OMIM 613285.

Allele frequency attached by ClinVar (database versions not stated): 1000 Genomes Project 30x 0.12383; ESP Exome Variant Server 0.10311; TOPMed 0.11654; 1000 Genomes Project 0.12320.
gnomAD v4.1: 133,991 of 1,613,502 alleles (8.3%); highest among the groups gnomAD compares: African/African-American, 21%; 6,678 homozygotes.

Submissions (7):

Labcorp Genetics (formerly Invitae), Labcorp
Classification: Benign. Last evaluated: 2026-02-01. Review status: criteria provided, single submitter. Criteria: Invitae Variant Classification Sherloc (09022015). Collection method: clinical testing. Allele origin: germline.

Mayo Clinic Laboratories, Mayo Clinic
Classification: Benign. Last evaluated: 2020-10-02. Review status: criteria provided, single submitter. Criteria: ACMG Guidelines, 2015. Collection method: clinical testing. Allele origin: germline. Observed: 27 variant alleles.

Illumina Laboratory Services, Illumina
Classification: Benign for Autosomal recessive nonsyndromic hearing loss 25. Last evaluated: 2018-01-13. Review status: criteria provided, single submitter. Criteria: ICSL Variant Classification Criteria 13 December 2019. Collection method: clinical testing. Allele origin: germline.
Comment: This variant was observed in the ICSL laboratory as part of a predisposition screen in an ostensibly healthy population. It had not been previously curated by ICSL or reported in the Human Gene Mutation Database (HGMD: prior to June 1st, 2018), and was therefore a candidate for classification through an automated scoring system. Utilizing variant allele frequency, disease prevalence and penetrance estimates, and inheritance mode, an automated score was calculated to assess if this variant is too frequent to cause the disease. Based on the score and internal cut-off values, a variant classified as benign is not then subjected to further curation. The score for this variant resulted in a classification of benign for this disease.

GeneDx
Classification: Benign. Last evaluated: 2017-05-09. Review status: criteria provided, single submitter. Criteria: GeneDx Variant Classification (06012015). Collection method: clinical testing. Allele origin: germline. Affected: yes.
Comment: This variant is considered likely benign or benign based on one or more of the following criteria: it is a conservative change, it occurs at a poorly conserved position in the protein, it is predicted to be benign by multiple in silico algorithms, and/or has population frequency not consistent with disease.

Laboratory for Molecular Medicine, Mass General Brigham Personalized Medicine
Classification: Benign. Last evaluated: 2012-05-07. Review status: criteria provided, single submitter. Criteria: LMM Criteria. Collection method: clinical testing. Allele origin: germline. Observed: 279 variant alleles.
Comment: Glu9Lys in Exon 01 of GRXCR1: This variant is not expected to have clinical sign ificance because it has been identified in 18.3% (620/3384) of African American chromosomes from a broad population by the NHLBI Exome Sequencing Project (dbSNP rs78136490).

Breakthrough Genomics
Classification: Benign. Review status: criteria provided, single submitter. Criteria: ACMG Guidelines, 2015. Collection method: not provided. Allele origin: germline. Inheritance: Autosomal recessive inheritance. Affected: yes.

PreventionGenetics, part of Exact Sciences
Classification: Benign. Review status: criteria provided, single submitter. Criteria: ACMG Guidelines, 2015. Collection method: clinical testing. Allele origin: germline.